The following is an entry in ClinVar:

ClinVar aggregate classification (germline): Uncertain significance (1 of 4 stars; one submission).

Conditions:
Bloom syndrome (BLM). Also called: Bloom-Torre-Machacek syndrome. Identifiers: Orphanet 125, MedGen C0005859, MONDO:0008876, OMIM 210900.

Submission:

Labcorp Genetics (formerly Invitae), Labcorp
Classification: Uncertain significance for Bloom syndrome. Last evaluated: 2022-08-20. Review status: criteria provided, single submitter. Criteria: Invitae Variant Classification Sherloc (09022015). Collection method: clinical testing. Allele origin: germline.
Comment: This sequence change replaces arginine, which is basic and polar, with threonine, which is neutral and polar, at codon 599 of the BLM protein (p.Arg599Thr). In summary, the available evidence is currently insufficient to determine the role of this variant in disease. Therefore, it has been classified as a Variant of Uncertain Significance. Algorithms developed to predict the effect of missense changes on protein structure and function (SIFT, PolyPhen-2, Align-GVGD) all suggest that this variant is likely to be tolerated. This variant has not been reported in the literature in individuals affected with BLM-related conditions. This variant is not present in population databases (gnomAD no frequency).

NM_000057.4(BLM):c.1796G>C (p.Arg599Thr)

Gene: BLM (BLM RecQ like helicase; plus strand). Cytogenetic location: 15q26.1.
Variant type: single nucleotide variant.
Coding change: c.1796G>C on transcript NM_000057.4 (MANE Select); coding-DNA position 1796, G replaced by C.
Protein change: p.Arg599Thr; replaces arginine 599 with threonine.
Molecular consequence: missense variant.
Genome position (GRCh38, 1-based): chr15:90,761,169, G>C. VCF-style: chr15-90761169-G-C. GRCh37 (hg19) VCF-style: chr15-91304399-G-C.
Other names: c.1796G>C, p.Arg599Thr (NM_001287246.2, NM_001287247.2); c.671G>C, p.Arg224Thr (NM_001287248.2); short protein forms R224T, R599T.
Identifiers: ClinVar variation 1717216 (VCV001717216.6), dbSNP rs2151159001, ClinGen allele CA393843861.